The following is an entry in ClinVar:

NM_025243.4(SLC19A3):c.612C>G (p.Ser204Arg)

Gene: SLC19A3 (solute carrier family 19 member 3; minus strand). Cytogenetic location: 2q36.3.
Variant type: single nucleotide variant.
Coding change: c.612C>G on transcript NM_025243.4 (MANE Select); coding-DNA position 612, C replaced by G.
Protein change: p.Ser204Arg; replaces serine 204 with arginine.
Molecular consequence: missense variant.
Genome position (GRCh38, 1-based): chr2:227,699,103, G>C on the plus strand (C>G on the coding strand, the complement: SLC19A3 is on the minus strand). VCF-style: chr2-227699103-G-C. GRCh37 (hg19) VCF-style: chr2-228563819-G-C.
Other names: c.612C>G, p.Ser204Arg (NM_001371411.1, NM_001371412.1); c.600C>G, p.Ser200Arg (NM_001371413.1, NM_001371414.1); short protein forms S200R, S204R.
Identifiers: ClinVar variation 2168670 (VCV002168670.2), dbSNP rs763692436, ClinGen allele CA2149258.

ClinVar aggregate classification (germline): Uncertain significance (1 of 4 stars; one submission).

Conditions:
Biotin-responsive basal ganglia disease (BTBGD). Also called: THIAMINE METABOLISM DYSFUNCTION SYNDROME 2 (BIOTIN- AND THIAMINE-RESPONSIVE TYPE); Thiamine metabolism dysfunction syndrome 2 (biotin- or thiamine-responsive encephalopathy type 2); thiamine-responsive encephalopathy; Thiamine Transporter-2 Deficiency; Thiamine metabolism dysfunction syndrome type 2. Identifiers: Orphanet 199348, Orphanet 65284, MedGen C1843807, MONDO:0011841, OMIM 607483.

Allele frequency attached by ClinVar (database versions not stated): TOPMed below 0.00001; ExAC 0.00001; gnomAD 0.00001.
gnomAD v4.1: 2 of 1,614,022 alleles (0.00012%); highest among the groups gnomAD compares: African/African-American, 0.0027%; no homozygotes.

Submission:

Labcorp Genetics (formerly Invitae), Labcorp
Classification: Uncertain significance for Biotin-responsive basal ganglia disease. Last evaluated: 2023-11-27. Review status: criteria provided, single submitter. Criteria: Invitae Variant Classification Sherloc (09022015). Collection method: clinical testing. Allele origin: germline.
Comment: This sequence change replaces serine, which is neutral and polar, with arginine, which is basic and polar, at codon 204 of the SLC19A3 protein (p.Ser204Arg). This variant is present in population databases (rs763692436, gnomAD 0.008%). This variant has not been reported in the literature in individuals affected with SLC19A3-related conditions. ClinVar contains an entry for this variant (Variation ID: 2168670). Advanced modeling of protein sequence and biophysical properties (such as structural, functional, and spatial information, amino acid conservation, physicochemical variation, residue mobility, and thermodynamic stability) performed at Invitae indicates that this missense variant is not expected to disrupt SLC19A3 protein function with a negative predictive value of 80%. In summary, the available evidence is currently insufficient to determine the role of this variant in disease. Therefore, it has been classified as a Variant of Uncertain Significance.